The following is an entry in ClinVar:

NM_006314.3(CNKSR1):c.851C>G (p.Pro284Arg)

Gene: CNKSR1 (connector enhancer of kinase suppressor of Ras 1; plus strand). Cytogenetic location: 1p36.11.
Variant type: single nucleotide variant.
Coding change: c.851C>G on transcript NM_006314.3 (MANE Select); coding-DNA position 851, C replaced by G.
Protein change: p.Pro284Arg; replaces proline 284 with arginine.
Molecular consequence: missense variant.
Genome position (GRCh38, 1-based): chr1:26,183,826, C>G. VCF-style: chr1-26183826-C-G. GRCh37 (hg19) VCF-style: chr1-26510317-C-G.
Other names: c.872C>G, p.Pro291Arg (NM_001297647.2); c.77C>G, p.Pro26Arg (NM_001297648.2); short protein forms P284R, P291R, P26R.
Identifiers: ClinVar variation 725931 (VCV000725931.29), dbSNP rs149069703, ClinGen allele CA700479.

ClinVar aggregate classification (germline): Benign/Likely benign. Review status: criteria provided, multiple submitters, no conflicts (2 of 4 stars). 3 submissions from 3 submitters: Benign (2); Likely benign (1). Last evaluated 2023-02-01.

Allele frequency attached by ClinVar (database versions not stated): 1000 Genomes Project 0.00080; ESP Exome Variant Server 0.00315.
gnomAD v4.1: 5,262 of 1,419,388 alleles (0.37%); highest among the groups gnomAD compares: Non-Finnish European, 0.33%; 36 homozygotes.

Submissions (3):

CeGaT Center for Human Genetics Tuebingen
Classification: Likely benign. Last evaluated: 2023-02-01. Review status: criteria provided, single submitter. Criteria: CeGaT Center For Human Genetics Tuebingen Variant Classification Criteria Version 2. Collection method: clinical testing. Allele origin: germline. Affected: yes. Observed: 3 variant alleles.
Comment: CNKSR1: BP4, BS2

Labcorp Genetics (formerly Invitae), Labcorp
Classification: Benign. Last evaluated: 2019-12-31. Review status: criteria provided, single submitter. Criteria: Invitae Variant Classification Sherloc (09022015). Collection method: clinical testing. Allele origin: germline.

Breakthrough Genomics
Classification: Benign. Review status: criteria provided, single submitter. Criteria: ACMG Guidelines, 2015. Collection method: not provided. Allele origin: germline. Inheritance: Unknown mechanism. Affected: yes.